The following is an entry in ClinVar:

ClinVar aggregate classification (germline): Conflicting classifications of pathogenicity. Review status: criteria provided, conflicting classifications (1 of 4 stars). 8 submissions from 8 submitters: Uncertain significance (1); Likely benign (7). Last evaluated 2026-02-12.

Conditions:
IGHMBP2-related disorder. Also called: IGHMBP2-related condition; IGHMBP2-related disorders.
Inborn genetic diseases. Identifiers: MedGen C0950123, MeSH D030342.
Charcot-Marie-Tooth disease axonal type 2S. Also called: CHARCOT-MARIE-TOOTH NEUROPATHY, TYPE 2S; CHARCOT-MARIE-TOOTH DISEASE, AXONAL, AUTOSOMAL RECESSIVE, TYPE 2S. Identifiers: Orphanet 443073, MedGen C4015349, MONDO:0014511, OMIM 616155.
Autosomal recessive distal spinal muscular atrophy 1. Also called: SEVERE INFANTILE AXONAL NEUROPATHY WITH RESPIRATORY FAILURE; SPINAL MUSCULAR ATROPHY, DIAPHRAGMATIC; Spinal muscular atrophy with respiratory distress 1; NEURONOPATHY, SEVERE INFANTILE AXONAL, WITH RESPIRATORY FAILURE; NEURONOPATHY, DISTAL HEREDITARY MOTOR, HARDING TYPE VI; NEUROPATHY, DISTAL HEREDITARY MOTOR, AUTOSOMAL RECESSIVE 1. Identifiers: Orphanet 98920, MedGen C1858517, MONDO:0011436, OMIM 604320.
Charcot-Marie-Tooth disease. Also called: Charcot-Marie-Tooth Neuropathy; Charcot-Marie-Tooth Hereditary Neuropathy. Identifiers: Orphanet 166, MedGen C0007959, MONDO:0015626.

Allele frequency attached by ClinVar (database versions not stated): ESP Exome Variant Server 0.00008; ExAC 0.00016; gnomAD exomes 0.00017 and 0.00035; TOPMed 0.00025; gnomAD 0.00028 and 0.00029.
gnomAD v4.1: 553 of 1,614,086 alleles (0.034%); highest among the groups gnomAD compares: Non-Finnish European, 0.043%; no homozygotes.

Submissions (8):

PreventionGenetics, part of Exact Sciences
Classification: Likely benign for IGHMBP2-related condition. Last evaluated: 2026-02-12. Review status: criteria provided, single submitter. Criteria: ACMG Guidelines, 2015. Collection method: clinical testing. Allele origin: germline.
Comment: This variant is classified as likely benign based on ACMG/AMP sequence variant interpretation guidelines (Richards et al. 2015 PMID: 25741868, with internal and published modifications).

CeGaT Center for Human Genetics Tuebingen
Classification: Likely benign. Last evaluated: 2026-02-01. Review status: criteria provided, single submitter. Criteria: CeGaT Center For Human Genetics Tuebingen Variant Classification Criteria Version 2. Collection method: clinical testing. Allele origin: germline. Affected: yes. Observed: 1 variant allele.
Comment: IGHMBP2: BP4, BP7

Labcorp Genetics (formerly Invitae), Labcorp
Classification: Likely benign for Autosomal recessive distal spinal muscular atrophy 1; Charcot-Marie-Tooth disease axonal type 2S. Last evaluated: 2025-12-13. Review status: criteria provided, single submitter. Criteria: Invitae Variant Classification Sherloc (09022015). Collection method: clinical testing. Allele origin: germline.

Mayo Clinic Laboratories, Mayo Clinic
Classification: Likely benign. Last evaluated: 2025-09-30. Review status: criteria provided, single submitter. Criteria: ACMG Guidelines, 2015. Collection method: clinical testing. Allele origin: germline. Observed: 2 variant alleles.
Comment: BP4, BP7

GeneDx
Classification: Likely benign. Last evaluated: 2020-09-14. Review status: criteria provided, single submitter. Criteria: GeneDx Variant Classification Process June 2021. Collection method: clinical testing. Allele origin: germline. Affected: yes.

Ambry Genetics
Classification: Likely benign for Inborn genetic diseases. Last evaluated: 2019-07-11. Review status: criteria provided, single submitter. Criteria: Ambry Variant Classification Scheme 2023. Collection method: clinical testing. Allele origin: germline.

Eurofins Ntd Llc (ga)
Classification: Uncertain significance. Last evaluated: 2015-04-16. Review status: criteria provided, single submitter. Criteria: EGL Classification Definitions 2015. Collection method: clinical testing. Allele origin: germline. Observed: 1 variant allele, 1 heterozygote.

Molecular Genetics Laboratory, London Health Sciences Centre
Classification: Likely benign for Charcot-Marie-Tooth disease. Review status: criteria provided, single submitter. Criteria: ACMG Guidelines, 2015. Collection method: clinical testing. Allele origin: germline. Affected: yes.

NM_002180.3(IGHMBP2):c.855G>A (p.Ala285=)

Gene: IGHMBP2 (immunoglobulin mu DNA binding protein 2; plus strand). Cytogenetic location: 11q13.3.
Variant type: single nucleotide variant.
Coding change: c.855G>A on transcript NM_002180.3 (MANE Select); coding-DNA position 855, G replaced by A.
Protein change: p.Ala285=; no amino-acid change (alanine 285 retained).
Molecular consequence: synonymous variant.
Genome position (GRCh38, 1-based): chr11:68,914,966, G>A. VCF-style: chr11-68914966-G-A. GRCh37 (hg19) VCF-style: chr11-68682434-G-A.
Other names: p.Ala285=.
Identifiers: ClinVar variation 198143 (VCV000198143.28), dbSNP rs147409148, ClinGen allele CA246644.